The following is an entry in ClinVar:

ClinVar aggregate classification (germline): Uncertain significance (1 of 4 stars; one submission).

Submission:

Ambry Genetics
Classification: Uncertain significance. Last evaluated: 2025-11-12. Review status: criteria provided, single submitter. Criteria: Ambry Variant Classification Scheme 2023. Collection method: clinical testing. Allele origin: germline.
Comment: The p.E787D variant (also known as c.2361G>C), located in coding exon 13 of the ATRIP gene, results from a G to C substitution at nucleotide position 2361. The glutamic acid at codon 787 is replaced by aspartic acid, an amino acid with highly similar properties. This amino acid position is conserved. In addition, this alteration is predicted to be tolerated by in silico analysis. Based on the available evidence, the clinical significance of this variant remains unclear.

NM_130384.3(ATRIP):c.2361G>C (p.Glu787Asp)

Genes: ATRIP (ATR interacting protein; plus strand), ATRIP-TREX1 (ATRIP-TREX1 readthrough; plus strand), LOC129936704 (ATAC-STARR-seq lymphoblastoid active region 19829; plus strand). Cytogenetic location: 3p21.31.
Variant type: single nucleotide variant.
Coding change: c.2361G>C on transcript NM_130384.3 (MANE Select); coding-DNA position 2361, G replaced by C.
Protein change: p.Glu787Asp; replaces glutamic acid 787 with aspartic acid.
Molecular consequence: missense variant. On other transcripts: non-coding transcript variant (1).
Genome position (GRCh38, 1-based): chr3:48,465,539, G>C. VCF-style: chr3-48465539-G-C. GRCh37 (hg19) VCF-style: chr3-48506938-G-C.
Other names: c.-797G>C (NM_033629.4); c.1980G>C, p.Glu660Asp (NM_001271022.2); c.2082G>C, p.Glu694Asp (NM_001271023.2); c.2280G>C, p.Glu760Asp (NM_032166.4); short protein forms E660D, E760D, E694D, E787D.
Identifiers: ClinVar variation 4644585 (VCV004644585.1).